The following is an entry in ClinVar:

ClinVar aggregate classification (germline): Uncertain significance (1 of 4 stars; one submission).

Allele frequency attached by ClinVar (database versions not stated): gnomAD exomes below 0.00001 and 0.00001; gnomAD 0.00001 and 0.00002; ExAC 0.00002; TOPMed 0.00006; ESP Exome Variant Server 0.00016.
gnomAD v4.1: 4 of 1,611,058 alleles (0.00025%); highest among the groups gnomAD compares: African/African-American, 0.0053%; no homozygotes.

Submission:

Labcorp Genetics (formerly Invitae), Labcorp
Classification: Uncertain significance. Last evaluated: 2022-08-23. Review status: criteria provided, single submitter. Criteria: Invitae Variant Classification Sherloc (09022015). Collection method: clinical testing. Allele origin: germline.
Comment: This sequence change replaces threonine, which is neutral and polar, with serine, which is neutral and polar, at codon 3295 of the CDH23 protein (p.Thr3295Ser). This variant is present in population databases (rs368112637, gnomAD 0.009%). This variant has not been reported in the literature in individuals affected with CDH23-related conditions. ClinVar contains an entry for this variant (Variation ID: 1399957). Algorithms developed to predict the effect of missense changes on protein structure and function are either unavailable or do not agree on the potential impact of this missense change (SIFT: "Tolerated"; PolyPhen-2: "Not Available"; Align-GVGD: "Class C0"). In summary, the available evidence is currently insufficient to determine the role of this variant in disease. Therefore, it has been classified as a Variant of Uncertain Significance.

NM_022124.6(CDH23):c.9884C>G (p.Thr3295Ser)

Gene: CDH23 (cadherin related 23; plus strand). Cytogenetic location: 10q22.1.
Variant type: single nucleotide variant.
Coding change: c.9884C>G on transcript NM_022124.6 (MANE Select); coding-DNA position 9884, C replaced by G.
Protein change: p.Thr3295Ser; replaces threonine 3295 with serine.
Molecular consequence: missense variant.
Genome position (GRCh38, 1-based): chr10:71,815,097, C>G. VCF-style: chr10-71815097-C-G. GRCh37 (hg19) VCF-style: chr10-73574854-C-G.
Other names: c.3164C>G, p.Thr1055Ser (NM_001171933.1); c.3059C>G, p.Thr1020Ser (NM_001171934.1); c.575C>G, p.Thr192Ser (NM_001171935.1); c.470C>G, p.Thr157Ser (NM_001171936.1); short protein forms T1055S, T1020S, T192S, T157S, T3295S.
Identifiers: ClinVar variation 1399957 (VCV001399957.5), dbSNP rs368112637, ClinGen allele CA5547201.